The following is an entry in ClinVar:

NM_001365276.2(TNXB):c.2358G>T (p.Thr786=)

Gene: TNXB (tenascin XB; minus strand). Cytogenetic location: 6p21.33.
Variant type: single nucleotide variant.
Coding change: c.2358G>T on transcript NM_001365276.2 (MANE Select); coding-DNA position 2358, G replaced by T.
Protein change: p.Thr786=; no amino-acid change (threonine 786 retained).
Molecular consequence: synonymous variant.
Genome position (GRCh38, 1-based): chr6:32,095,076, C>A on the plus strand (G>T on the coding strand, the complement: TNXB is on the minus strand). VCF-style: chr6-32095076-C-A. GRCh37 (hg19) VCF-style: chr6-32062853-C-A.
Other names: c.2358G>T, p.Thr786= (NM_001428335.1, NM_019105.8).
Identifiers: ClinVar variation 4975999 (VCV004975999.1).

ClinVar aggregate classification (germline): Uncertain significance (1 of 4 stars; one submission).

Submission:

GeneDx
Classification: Uncertain significance. Last evaluated: 2026-01-31. Review status: criteria provided, single submitter. Criteria: GeneDx Variant Classification Process June 2021. Collection method: clinical testing. Allele origin: germline.
Comment: Not observed at significant frequency in large population cohorts (gnomAD); In silico analysis supports a deleterious effect on splicing; Has not been previously published as pathogenic or benign to our knowledge